The following is an entry in ClinVar:

ClinVar aggregate classification (germline): Uncertain significance (1 of 4 stars; one submission).

Submission:

CeGaT Center for Human Genetics Tuebingen
Classification: Uncertain significance. Last evaluated: 2022-12-01. Review status: criteria provided, single submitter. Criteria: CeGaT Center For Human Genetics Tuebingen Variant Classification Criteria Version 2. Collection method: clinical testing. Allele origin: germline. Affected: yes. Observed: 1 variant allele.
Comment: CASQ1: PM2

NM_001231.5(CASQ1):c.167del (p.Asn56fs)

Gene: CASQ1 (calsequestrin 1; plus strand). Cytogenetic location: 1q23.2.
Variant type: Deletion.
Coding change: c.167del on transcript NM_001231.5 (MANE Select); coding-DNA position 167, one base deleted (A; older notation c.167delA).
Protein change: p.Asn56fs; shifts the reading frame from asparagine 56.
Molecular consequence: frameshift variant.
Genome position (GRCh38, 1-based): chr1:160,190,918, A deleted; the last of 2 consecutive A bases (chr1:160,190,917-160,190,918); deleting either gives the same sequence. VCF-style (leftmost placement, unchanged base first): chr1-160190916-GA-G. GRCh37 (hg19) VCF-style: chr1-160160706-GA-G.
Other names: short protein forms N56fs.
Identifiers: ClinVar variation 2639496 (VCV002639496.24), dbSNP rs2525040833, ClinGen allele CA2648652670.
Genomic context (GRCh38, chr1:160,190,916, plus strand): 5'-GGAAGGGCTGGACTTCCCTGAGTACGATGGTGTGGACCGTGTGATCAATGTCAATGCAAA[GA>G]ACTACAAGAATGTGTTCAAGAAGTATGAGGTGCTGGCACTCCTCTACCATGAACCCCCCG-3'